The following is an entry in ClinVar:

NM_015443.4(KANSL1):c.1289+18A>G

Gene: KANSL1 (KAT8 regulatory NSL complex subunit 1). Cytogenetic location: 17q21.31.
Variant type: single nucleotide variant.
Coding change: c.1289+18A>G on transcript NM_015443.4 (MANE Select); 18 bases into the intron after coding-DNA position 1289, A replaced by G.
Molecular consequence: intron variant.
Genome position (GRCh38, 1-based): chr17:46,170,837, T>C on the plus strand (A>G on the coding strand, the complement: KANSL1 is on the minus strand). VCF-style: chr17-46170837-T-C. GRCh37 (hg19) VCF-style: chr17-44248203-T-C.
Other names: c.1289+18A>G (NM_001193465.2, NM_001379198.1, NM_001193466.2).
Identifiers: ClinVar variation 137975 (VCV000137975.11), dbSNP rs150225895, ClinGen allele CA291715.

ClinVar aggregate classification (germline): Benign/Likely benign. Review status: criteria provided, multiple submitters, no conflicts (2 of 4 stars). 4 submissions from 4 submitters: Benign (2); Likely benign (2). Last evaluated 2025-07-10.

Conditions:
Koolen-de Vries syndrome (KDVS). Identifiers: Orphanet 96169, MedGen C1864871, MONDO:0012496, OMIM 610443.

Allele frequency attached by ClinVar (database versions not stated): 1000 Genomes Project 30x 0.00094; 1000 Genomes Project 0.00100; gnomAD 0.00249 and 0.00275; gnomAD exomes 0.00254 and 0.00395; ExAC 0.00270; TOPMed 0.00277; ESP Exome Variant Server 0.00300.
gnomAD v4.1: 5,976 of 1,570,798 alleles (0.38%); highest among the groups gnomAD compares: Non-Finnish European, 0.45%; 16 homozygotes.

Submissions (4):

Labcorp Genetics (formerly Invitae), Labcorp
Classification: Benign for Koolen-de Vries syndrome. Last evaluated: 2025-07-10. Review status: criteria provided, single submitter. Criteria: Invitae Variant Classification Sherloc (09022015). Collection method: clinical testing. Allele origin: germline.

ARUP Laboratories, Molecular Genetics and Genomics, ARUP Laboratories
Classification: Likely benign for Koolen-de Vries syndrome. Last evaluated: 2025-02-28. Review status: criteria provided, single submitter. Criteria: ARUP Molecular Germline Variant Investigation Process 2024. Collection method: clinical testing. Allele origin: germline.

Blueprint Genetics
Classification: Likely benign. Last evaluated: 2024-11-18. Review status: criteria provided, single submitter. Criteria: ACMG Guidelines, 2015. Collection method: clinical testing. Allele origin: germline.

GeneDx
Classification: Benign. Last evaluated: 2013-11-04. Review status: criteria provided, single submitter. Criteria: GeneDx Variant Classification (06012015). Collection method: clinical testing. Allele origin: germline. Affected: yes.
Comment: This variant is considered likely benign or benign based on one or more of the following criteria: it is a conservative change, it occurs at a poorly conserved position in the protein, it is predicted to be benign by multiple in silico algorithms, and/or has population frequency not consistent with disease.